The following is an entry in ClinVar:

ClinVar aggregate classification (germline): Uncertain significance. Review status: criteria provided, multiple submitters, no conflicts (2 of 4 stars). 2 submissions from 2 submitters: Uncertain significance (2). Last evaluated 2024-08-03.

Conditions:
Generalized epilepsy with febrile seizures plus, type 9 (GEFSP9). Also called: GEFS+, TYPE 9. Identifiers: Orphanet 36387, MedGen C4015395, MONDO:0014517, OMIM 616172.

Submissions (2):

Labcorp Genetics (formerly Invitae), Labcorp
Classification: Uncertain significance for Generalized epilepsy with febrile seizures plus, type 9. Last evaluated: 2024-08-03. Review status: criteria provided, single submitter. Criteria: Invitae Variant Classification Sherloc (09022015). Collection method: clinical testing. Allele origin: germline.
Comment: This sequence change replaces lysine, which is basic and polar, with isoleucine, which is neutral and non-polar, at codon 252 of the STX1B protein (p.Lys252Ile). This variant is not present in population databases (gnomAD no frequency). This variant has not been reported in the literature in individuals affected with STX1B-related conditions. ClinVar contains an entry for this variant (Variation ID: 391808). Advanced modeling of protein sequence and biophysical properties (such as structural, functional, and spatial information, amino acid conservation, physicochemical variation, residue mobility, and thermodynamic stability) performed at Invitae indicates that this missense variant is not expected to disrupt STX1B protein function with a negative predictive value of 80%. In summary, the available evidence is currently insufficient to determine the role of this variant in disease. Therefore, it has been classified as a Variant of Uncertain Significance.

GeneDx
Classification: Uncertain significance. Last evaluated: 2018-11-01. Review status: criteria provided, single submitter. Criteria: GeneDx Variant Classification (06012015). Collection method: clinical testing. Allele origin: germline. Affected: yes.
Comment: The K252I variant in the STX1B gene has not been reported previously as a pathogenic variant, nor as a benign variant, to our knowledge. The K252I variant was not observed in approximately 6500 individuals of European and African American ancestry in the NHLBI Exome Sequencing Project, indicating it is not a common benign variant in these populations. The K252I variant is a non-conservative amino acid substitution, which is likely to impact secondary protein structure as these residues differ in polarity, charge, size and/or other properties. This substitution occurs at a position that is conserved across species. In silico analysis predicts this variant is probably damaging to the protein structure/function. We interpret K252I as a variant of uncertain significance.

NM_052874.5(STX1B):c.755A>T (p.Lys252Ile)

Gene: STX1B (syntaxin 1B; minus strand). Cytogenetic location: 16p11.2.
Variant type: single nucleotide variant.
Coding change: c.755A>T on transcript NM_052874.5 (MANE Select); coding-DNA position 755, A replaced by T.
Protein change: p.Lys252Ile; replaces lysine 252 with isoleucine.
Molecular consequence: missense variant.
Genome position (GRCh38, 1-based): chr16:30,993,161, T>A on the plus strand (A>T on the coding strand, the complement: STX1B is on the minus strand). VCF-style: chr16-30993161-T-A. GRCh37 (hg19) VCF-style: chr16-31004482-T-A.
Other names: short protein forms K252I.
Identifiers: ClinVar variation 391808 (VCV000391808.4), dbSNP rs1057524236, ClinGen allele CA16607299.